The following is an entry in ClinVar:

ClinVar aggregate classification (germline): Uncertain significance (1 of 4 stars; one submission).

gnomAD v4.1: 9 of 1,613,792 alleles (0.00056%); highest among the groups gnomAD compares: Non-Finnish European, 0.00076%; no homozygotes.

Submission:

Labcorp Genetics (formerly Invitae), Labcorp
Classification: Uncertain significance. Last evaluated: 2022-06-14. Review status: criteria provided, single submitter. Criteria: Invitae Variant Classification Sherloc (09022015). Collection method: clinical testing. Allele origin: germline.
Comment: This sequence change replaces valine, which is neutral and non-polar, with leucine, which is neutral and non-polar, at codon 1997 of the CDH23 protein (p.Val1997Leu). This variant is not present in population databases (gnomAD no frequency). This variant has not been reported in the literature in individuals affected with CDH23-related conditions. Algorithms developed to predict the effect of missense changes on protein structure and function are either unavailable or do not agree on the potential impact of this missense change (SIFT: "Deleterious"; PolyPhen-2: "Not Available"; Align-GVGD: "Class C0"). In summary, the available evidence is currently insufficient to determine the role of this variant in disease. Therefore, it has been classified as a Variant of Uncertain Significance.

NM_022124.6(CDH23):c.5989G>T (p.Val1997Leu)

Gene: CDH23 (cadherin related 23; plus strand). Cytogenetic location: 10q22.1.
Variant type: single nucleotide variant.
Coding change: c.5989G>T on transcript NM_022124.6 (MANE Select); coding-DNA position 5989, G replaced by T.
Protein change: p.Val1997Leu; replaces valine 1997 with leucine.
Molecular consequence: missense variant.
Genome position (GRCh38, 1-based): chr10:71,790,353, G>T. VCF-style: chr10-71790353-G-T. GRCh37 (hg19) VCF-style: chr10-73550110-G-T.
Other names: short protein forms V1997L.
Identifiers: ClinVar variation 2100069 (VCV002100069.1), dbSNP rs755121910, ClinGen allele CA377150797.